The following is an entry in ClinVar:

NM_001378477.3(NYX):c.422G>A (p.Arg141His)

Gene: NYX (nyctalopin; plus strand). Cytogenetic location: Xp11.4.
Variant type: single nucleotide variant.
Coding change: c.422G>A on transcript NM_001378477.3 (MANE Select); coding-DNA position 422, G replaced by A.
Protein change: p.Arg141His; replaces arginine 141 with histidine.
Molecular consequence: missense variant.
Genome position (GRCh38, 1-based): chrX:41,473,890, G>A. VCF-style: chrX-41473890-G-A. GRCh37 (hg19) VCF-style: chrX-41333143-G-A.
Other names: c.422G>A, p.Arg141His (NM_022567.3); short protein forms R141H.
Identifiers: ClinVar variation 1506225 (VCV001506225.6), dbSNP rs771394522, ClinGen allele CA10389818.

ClinVar aggregate classification (germline): Uncertain significance (1 of 4 stars; one submission).

Allele frequency attached by ClinVar (database versions not stated): gnomAD exomes 0.00001; TOPMed 0.00001; gnomAD 0.00002; ExAC 0.00006.

Submission:

Labcorp Genetics (formerly Invitae), Labcorp
Classification: Uncertain significance. Last evaluated: 2022-10-05. Review status: criteria provided, single submitter. Criteria: Invitae Variant Classification Sherloc (09022015). Collection method: clinical testing. Allele origin: germline.
Comment: This sequence change replaces arginine, which is basic and polar, with histidine, which is basic and polar, at codon 146 of the NYX protein (p.Arg146His). This variant is not present in population databases (gnomAD no frequency). This variant has not been reported in the literature in individuals affected with NYX-related conditions. ClinVar contains an entry for this variant (Variation ID: 1506225). Advanced modeling of protein sequence and biophysical properties (such as structural, functional, and spatial information, amino acid conservation, physicochemical variation, residue mobility, and thermodynamic stability) performed at Invitae indicates that this missense variant is not expected to disrupt NYX protein function. In summary, the available evidence is currently insufficient to determine the role of this variant in disease. Therefore, it has been classified as a Variant of Uncertain Significance.